The following is an entry in ClinVar:

NM_001365276.2(TNXB):c.7541C>G (p.Thr2514Arg)

Gene: TNXB (tenascin XB; minus strand). Cytogenetic location: 6p21.33.
Variant type: single nucleotide variant.
Coding change: c.7541C>G on transcript NM_001365276.2 (MANE Select); coding-DNA position 7541, C replaced by G.
Protein change: p.Thr2514Arg; replaces threonine 2514 with arginine.
Molecular consequence: missense variant.
Genome position (GRCh38, 1-based): chr6:32,058,342, G>C on the plus strand (C>G on the coding strand, the complement: TNXB is on the minus strand). VCF-style: chr6-32058342-G-C. GRCh37 (hg19) VCF-style: chr6-32026119-G-C.
Other names: c.8282C>G, p.Thr2761Arg (NM_001428335.1); c.7541C>G, p.Thr2514Arg (NM_019105.8); short protein forms T2761R, T2514R.
Identifiers: ClinVar variation 3459939 (VCV003459939.2).

ClinVar aggregate classification (germline): Uncertain significance. Review status: criteria provided, multiple submitters, no conflicts (2 of 4 stars). 2 submissions from 2 submitters: Uncertain significance (2). Last evaluated 2025-12-02.

Conditions:
Cardiovascular phenotype. Identifiers: MedGen CN230736.

gnomAD v4.1: 9 of 1,611,686 alleles (0.00056%); highest among the groups gnomAD compares: South Asian, 0.0011%; no homozygotes.

Submissions (2):

Women's Health and Genetics/Laboratory Corporation of America, LabCorp
Classification: Uncertain significance. Last evaluated: 2025-12-02. Review status: criteria provided, single submitter. Criteria: LabCorp Variant Classification Summary - May 2015. Collection method: clinical testing. Allele origin: germline.
Comment: Variant summary: TNXB c.7541C>G (p.Thr2514Arg) results in a non-conservative amino acid change in the encoded protein sequence. Algorithms developed to predict the effect of missense changes on protein structure and function are either unavailable or do not agree on the potential impact of this missense change. The variant allele was found at a frequency of 4.2e-06 in 240592 control chromosomes. The available data on variant occurrences in the general population are insufficient to allow any conclusion about variant significance. To our knowledge, no occurrence of c.7541C>G in individuals affected with TNXB-related conditions and no experimental evidence demonstrating its impact on protein function have been reported. ClinVar contains an entry for this variant (Variation ID: 3459939). Based on the evidence outlined above, the variant was classified as uncertain significance.

Ambry Genetics
Classification: Uncertain significance for Cardiovascular phenotype. Last evaluated: 2024-08-04. Review status: criteria provided, single submitter. Criteria: Ambry Variant Classification Scheme 2023. Collection method: clinical testing. Allele origin: germline.